The following is an entry in ClinVar:

ClinVar aggregate classification (germline): Uncertain significance (1 of 4 stars; one submission).

Conditions:
Dyskeratosis congenita, autosomal recessive 6 (DKCB6). Identifiers: MedGen C4225356, MONDO:0014600, OMIM 616353.
Pulmonary fibrosis and/or bone marrow failure, Telomere-related, 4. Also called: PULMONARY FIBROSIS AND/OR BONE MARROW FAILURE SYNDROME, TELOMERE-RELATED, 4. Identifiers: Orphanet 2032, MedGen C4225347, MONDO:0014612, OMIM 616371.

Allele frequency attached by ClinVar (database versions not stated): gnomAD exomes below 0.00001.
gnomAD v4.1: 5 of 1,607,636 alleles (0.00031%); highest among the groups gnomAD compares: South Asian, 0.0056%; no homozygotes.

Submission:

Labcorp Genetics (formerly Invitae), Labcorp
Classification: Uncertain significance for Dyskeratosis congenita, autosomal recessive 6; Pulmonary fibrosis and/or bone marrow failure, Telomere-related, 4. Last evaluated: 2018-12-20. Review status: criteria provided, single submitter. Criteria: Invitae Variant Classification Sherloc (09022015). Collection method: clinical testing. Allele origin: germline.
Comment: This sequence change replaces asparagine with lysine at codon 550 of the PARN protein (p.Asn550Lys). The asparagine residue is weakly conserved and there is a moderate physicochemical difference between asparagine and lysine. This variant is not present in population databases (ExAC no frequency). This variant has not been reported in the literature in individuals with PARN-related conditions. Algorithms developed to predict the effect of missense changes on protein structure and function (SIFT, PolyPhen-2, Align-GVGD) all suggest that this variant is likely to be tolerated, but these predictions have not been confirmed by published functional studies and their clinical significance is uncertain. In summary, the available evidence is currently insufficient to determine the role of this variant in disease. Therefore, it has been classified as a Variant of Uncertain Significance.

NM_002582.4(PARN):c.1650T>A (p.Asn550Lys)

Gene: PARN (poly(A)-specific ribonuclease; minus strand). Cytogenetic location: 16p13.12.
Variant type: single nucleotide variant.
Coding change: c.1650T>A on transcript NM_002582.4 (MANE Select); coding-DNA position 1650, T replaced by A.
Protein change: p.Asn550Lys; replaces asparagine 550 with lysine.
Molecular consequence: missense variant.
Genome position (GRCh38, 1-based): chr16:14,482,658, A>T on the plus strand (T>A on the coding strand, the complement: PARN is on the minus strand). VCF-style: chr16-14482658-A-T. GRCh37 (hg19) VCF-style: chr16-14576515-A-T.
Other names: c.1650T>A, p.Asn550Lys (LRG_1286t1); c.1467T>A, p.Asn489Lys (NM_001134477.3); c.1512T>A, p.Asn504Lys (NM_001242992.2); short protein forms N550K, N489K, N504K.
Identifiers: ClinVar variation 665885 (VCV000665885.9), dbSNP rs1368350204, ClinGen allele CA395183338.
Genomic context (GRCh38, chr16:14,482,658, plus strand): 5'-AGAACTCTGGCCTTTTAAATTAACAGCTGAGAGCTCTTACCTATTGTTGCGGTAATAGTG[A>T]TTCTGCAGGGTGTAGGGTATGCACTGGGGGTTTAACCGTTTGCTGTCAGCCTCCTTCCAG-3'
Protein context (NP_002573.1, residues 540-560): NPQCIPYTLQ[Asn550Lys]HYYRNNSFTA